The following is an entry in ClinVar:

NM_002473.6(MYH9):c.613-5T>C

Gene: MYH9 (myosin heavy chain 9; minus strand). Cytogenetic location: 22q12.3.
Variant type: single nucleotide variant.
Coding change: c.613-5T>C on transcript NM_002473.6 (MANE Select); 5 bases into the intron before coding-DNA position 613, T replaced by C.
Molecular consequence: intron variant.
Genome position (GRCh38, 1-based): chr22:36,322,526, A>G on the plus strand (T>C on the coding strand, the complement: MYH9 is on the minus strand). VCF-style: chr22-36322526-A-G. GRCh37 (hg19) VCF-style: chr22-36718571-A-G.
Identifiers: ClinVar variation 4765329 (VCV004765329.1).
Genomic context (GRCh38, chr22:36,322,526, plus strand): 5'-TTCCCGAAGGCCTCCAGGATGGGGTTGGCCTGCAGCAGCTGCCGCTCCAGCTCGCCCTGC[A>G]AGGAACCCAGGGACGCAGTGAAGGCCGGGCAGCGACCTGGGCTGCCGAGCCTGCCCTGCC-3'

ClinVar aggregate classification (germline): Uncertain significance (1 of 4 stars; one submission).

gnomAD v4.1: 1 of 1,613,544 alleles (0.000062%); highest among the groups gnomAD compares: African/African-American, 0.0013%; no homozygotes.

Submission:

Labcorp Genetics (formerly Invitae), Labcorp
Classification: Uncertain significance. Last evaluated: 2025-10-17. Review status: criteria provided, single submitter. Criteria: Invitae Variant Classification Sherloc (09022015). Collection method: clinical testing. Allele origin: germline.
Comment: This sequence change falls in intron 5 of the MYH9 gene. It does not directly change the encoded amino acid sequence of the MYH9 protein. This variant is not present in population databases (gnomAD no frequency). This variant has not been reported in the literature in individuals affected with MYH9-related conditions. Algorithms developed to predict the effect of sequence changes on RNA splicing suggest that this variant may create or strengthen a splice site. In summary, the available evidence is currently insufficient to determine the role of this variant in disease. Therefore, it has been classified as a Variant of Uncertain Significance.